The following is an entry in ClinVar:

ClinVar aggregate classification (germline): Uncertain significance (1 of 4 stars; one submission).

Conditions:
Oligodontia-cancer predisposition syndrome. Also called: TOOTH AGENESIS-COLORECTAL CANCER SYNDROME. Identifiers: Orphanet 300576, MedGen C1837750, MONDO:0012075, OMIM 608615. Disease mechanism: loss of function.

Submission:

Labcorp Genetics (formerly Invitae), Labcorp
Classification: Uncertain significance for Oligodontia-cancer predisposition syndrome. Last evaluated: 2023-08-10. Review status: criteria provided, single submitter. Criteria: Invitae Variant Classification Sherloc (09022015). Collection method: clinical testing. Allele origin: germline.
Comment: In summary, the available evidence is currently insufficient to determine the role of this variant in disease. Therefore, it has been classified as a Variant of Uncertain Significance. ClinVar contains an entry for this variant (Variation ID: 861915). This variant has not been reported in the literature in individuals affected with AXIN2-related conditions. This variant is not present in population databases (gnomAD no frequency). This sequence change creates a premature translational stop signal (p.Ala599Glyfs*29) in the AXIN2 gene. Loss-of-function variants in AXIN2 are known to be pathogenic (PMID: 21416598, 15042511). However, tissue-specific alternative splicing of AXIN2 gene results in functional isoform lacking in-frame exon 7 (also known as exon 6, PMID: 15735151). For this reason the clinical significance of loss of function variants in exon 7 is currently uncertain.

Literature cited by the submitters: PubMed 21416598; PubMed 15042511.

NM_004655.4(AXIN2):c.1795dup (p.Ala599fs)

Gene: AXIN2 (axin 2; minus strand). Cytogenetic location: 17q24.1.
Variant type: Duplication.
Coding change: c.1795dup on transcript NM_004655.4 (MANE Select); coding-DNA position 1795, one base duplicated (G; older notation c.1795dupG).
Protein change: p.Ala599fs; shifts the reading frame from alanine 599.
Molecular consequence: frameshift variant. On other transcripts: intron variant (1).
Genome position (GRCh38, 1-based): chr17:65,536,981, C duplicated on the plus strand (G on the coding strand, the reverse complement: AXIN2 is on the minus strand); the first of 4 consecutive C bases (chr17:65,536,981-65,536,984); duplicating any one gives the same sequence. VCF-style (leftmost placement, unchanged base first): chr17-65536980-G-GC. GRCh37 (hg19) VCF-style: chr17-63533098-G-GC.
Other names: c.1712+340dup (NM_001363813.1); short protein forms A599fs.
Identifiers: ClinVar variation 861915 (VCV000861915.9), dbSNP rs2043934944, ClinGen allele CA916081921.
Genomic context (GRCh38, chr17:65,536,980, plus strand): 5'-ACATCCTGCGACCTGTCTCCTTCCTCCCGGGGAAGCTGCAGGGCCCCAGCTCCGCCGGGG[G>GC]CCCCTCCTTCCCTGGCGGGCAGGGCCAGGCCCGGCTCCGTGCCTTTCCCATTGCGTTTGG-3'